The following is an entry in ClinVar:

NM_001376.5(DYNC1H1):c.9077A>G (p.Tyr3026Cys)

Genes: DYNC1H1 (dynein cytoplasmic 1 heavy chain 1; plus strand), LOC126862060 (BRD4-independent group 4 enhancer GRCh37_chr14:102493659-102494858; plus strand). Cytogenetic location: 14q32.31.
Variant type: single nucleotide variant.
Coding change: c.9077A>G on transcript NM_001376.5 (MANE Select); coding-DNA position 9077, A replaced by G.
Protein change: p.Tyr3026Cys; replaces tyrosine 3026 with cysteine.
Molecular consequence: missense variant.
Genome position (GRCh38, 1-based): chr14:102,027,647, A>G. VCF-style: chr14-102027647-A-G. GRCh37 (hg19) VCF-style: chr14-102493984-A-G.
Other names: short protein forms Y3026C.
Identifiers: ClinVar variation 1304286 (VCV001304286.9), dbSNP rs1032073396, ClinGen allele CA266962533.
Genomic context (GRCh38, chr14:102,027,647, plus strand): 5'-GACCAGTAAGTCAGCACTGTGCTGTTTCCCAGGTGCCTGGTCTCTTTGAAGGAGACGAGT[A>G]TGCCACCTTGATGACGCAGTGCAAAGAGGGGGCACAGAAGGAAGGCCTGATGCTGGACTC-3'
Protein context (NP_001367.2, residues 3016-3036): EVPGLFEGDE[Tyr3026Cys]ATLMTQCKEG

ClinVar aggregate classification (germline): Uncertain significance. Review status: criteria provided, multiple submitters, no conflicts (2 of 4 stars). 4 submissions from 4 submitters: Uncertain significance (4). Last evaluated 2026-02-03.

Conditions:
Inborn genetic diseases. Identifiers: MedGen C0950123, MeSH D030342.
Charcot-Marie-Tooth disease axonal type 2O. Also called: Charcot-Marie-Tooth Neuropathy Type 2O; Charcot-Marie-Tooth disease, axonal, type 20; CHARCOT-MARIE-TOOTH NEUROPATHY, AXONAL, TYPE 2O; CHARCOT-MARIE-TOOTH DISEASE, AXONAL, AUTOSOMAL DOMINANT, TYPE 2O. Identifiers: Orphanet 284232, MedGen C3280220, MONDO:0013644, OMIM 614228.

Allele frequency attached by ClinVar (database versions not stated): gnomAD 0.00001; TOPMed 0.00001; gnomAD exomes 0.00001.
gnomAD v4.1: 6 of 1,614,066 alleles (0.00037%); highest among the groups gnomAD compares: Admixed American, 0.0083%; no homozygotes.

Submissions (4):

Labcorp Genetics (formerly Invitae), Labcorp
Classification: Uncertain significance for Charcot-Marie-Tooth disease axonal type 2O. Last evaluated: 2026-02-03. Review status: criteria provided, single submitter. Criteria: Invitae Variant Classification Sherloc (09022015). Collection method: clinical testing. Allele origin: germline.
Comment: This sequence change replaces tyrosine, which is neutral and polar, with cysteine, which is neutral and slightly polar, at codon 3026 of the DYNC1H1 protein (p.Tyr3026Cys). This variant is present in population databases (no rsID available, gnomAD 0.003%). This variant has not been reported in the literature in individuals affected with DYNC1H1-related conditions. ClinVar contains an entry for this variant (Variation ID: 1304286). Invitae Evidence Modeling of protein sequence and biophysical properties (such as structural, functional, and spatial information, amino acid conservation, physicochemical variation, residue mobility, and thermodynamic stability) has been performed for this missense variant. However, the output from this modeling did not meet the statistical confidence thresholds required to predict the impact of this variant on DYNC1H1 protein function. In summary, the available evidence is currently insufficient to determine the role of this variant in disease. Therefore, it has been classified as a Variant of Uncertain Significance.

GeneDx
Classification: Uncertain significance. Last evaluated: 2025-09-23. Review status: criteria provided, single submitter. Criteria: GeneDx Variant Classification Process June 2021. Collection method: clinical testing. Allele origin: germline. Affected: yes.
Comment: In silico analysis supports that this missense variant has a deleterious effect on protein structure/function; Has not been previously published as pathogenic or benign to our knowledge; This variant is associated with the following publications: (PMID: 25512093, 25609763, 26100331)

Ambry Genetics
Classification: Uncertain significance for Inborn genetic diseases. Last evaluated: 2025-06-23. Review status: criteria provided, single submitter. Criteria: Ambry Variant Classification Scheme 2023. Collection method: clinical testing. Allele origin: germline.

Revvity Omics, Revvity
Classification: Uncertain significance. Last evaluated: 2024-01-24. Review status: criteria provided, single submitter. Criteria: ACMG Guidelines, 2015. Collection method: clinical testing. Allele origin: germline.